The following is an entry in ClinVar:

ClinVar aggregate classification (germline): Uncertain significance. Review status: criteria provided, multiple submitters, no conflicts (2 of 4 stars). 2 submissions from 2 submitters: Uncertain significance (2). Last evaluated 2023-07-17.

Conditions:
Fanconi anemia (FA). Also called: Fanconi's anemia. Identifiers: Orphanet 84, MedGen C0015625, MeSH D005199, MONDO:0019391.

Allele frequency attached by ClinVar (database versions not stated): gnomAD exomes below 0.00001.
gnomAD v4.1: 2 of 1,614,126 alleles (0.00012%); highest among the groups gnomAD compares: South Asian, 0.0022%; no homozygotes.

Submissions (2):

Labcorp Genetics (formerly Invitae), Labcorp
Classification: Uncertain significance for Fanconi anemia. Last evaluated: 2023-07-17. Review status: criteria provided, single submitter. Criteria: Invitae Variant Classification Sherloc (09022015). Collection method: clinical testing. Allele origin: germline.
Comment: ClinVar contains an entry for this variant (Variation ID: 1692046). In summary, the available evidence is currently insufficient to determine the role of this variant in disease. Therefore, it has been classified as a Variant of Uncertain Significance. Advanced modeling of protein sequence and biophysical properties (such as structural, functional, and spatial information, amino acid conservation, physicochemical variation, residue mobility, and thermodynamic stability) performed at Invitae indicates that this missense variant is not expected to disrupt FANCD2 protein function. This variant has not been reported in the literature in individuals affected with FANCD2-related conditions. This variant is not present in population databases (gnomAD no frequency). This sequence change replaces lysine, which is basic and polar, with glutamic acid, which is acidic and polar, at codon 1051 of the FANCD2 protein (p.Lys1051Glu).

Sema4
Classification: Uncertain significance for Fanconi anemia. Last evaluated: 2021-11-02. Review status: criteria provided, single submitter. Criteria: Sema4 Curation Guidelines. Collection method: curation. Allele origin: germline.
Comment: To the best of our knowledge, the FANCD2 c.3151A>G (p.K1051E) variant has not been reported in individuals with FANCD2-related disease. It was not observed in the large and broad cohorts of the Genome Aggregation Database (PMID: 32461654). The variant has not been reported in ClinVar. In silico tools suggest the impact of the variant on protein function is benign though these predictions have not been confirmed by functional studies. The evidence is insufficient to meet ACMG/AMP criteria for classifying the variant as benign or pathogenic. Thus, the clinical significance of this variant is currently uncertain.

NM_001018115.3(FANCD2):c.3151A>G (p.Lys1051Glu)

Genes: FANCD2 (FA complementation group D2; plus strand), FANCD2OS (FANCD2 opposite strand; minus strand). Cytogenetic location: 3p25.3.
Variant type: single nucleotide variant.
Coding change: c.3151A>G on transcript NM_001018115.3 (MANE Select); coding-DNA position 3151, A replaced by G.
Protein change: p.Lys1051Glu; replaces lysine 1051 with glutamic acid.
Molecular consequence: missense variant. On other transcripts: 3 prime UTR variant (1).
Genome position (GRCh38, 1-based): chr3:10,081,391, A>G. VCF-style: chr3-10081391-A-G. GRCh37 (hg19) VCF-style: chr3-10123075-A-G.
Other names: c.3151A>G, p.Lys1051Glu (NM_001319984.2, NM_001374254.1, NM_033084.6); c.*184T>C (NM_173472.2); c.3040A>G, p.Lys1014Glu (NM_001374253.1); short protein forms K1014E, K1051E.
Identifiers: ClinVar variation 1692046 (VCV001692046.4), dbSNP rs2125060028, ClinGen allele CA351748601.
Genomic context (GRCh38, chr3:10,081,391, plus strand): 5'-CATTTTTATTTTTAGTGTTTAGCTGCTGAGAATCACGGTGTAGTTGATGGACCAGGAGTG[A>G]AAGTTCAGGAGTACCACATAATGTCTTCCTGCTATCAGAGGCTGCTGCAGATTTTTCATG-3'
Protein context (NP_001018125.1, residues 1041-1061): NHGVVDGPGV[Lys1051Glu]VQEYHIMSSC